The following is an entry in ClinVar:

ClinVar aggregate classification (germline): Benign. Review status: criteria provided, multiple submitters, no conflicts (2 of 4 stars). 2 submissions from 2 submitters: Benign (2). Last evaluated 2018-06-14.

Allele frequency attached by ClinVar (database versions not stated): TOPMed 0.04809; gnomAD 0.04822 and 0.04653; 1000 Genomes Project 0.07688; 1000 Genomes Project 30x 0.07808; ExAC 0.07899; gnomAD exomes 0.03770.
gnomAD v4.1: 34,074 of 1,508,776 alleles (2.3%); highest among the groups gnomAD compares: African/African-American, 12%; 1,258 homozygotes.

Submissions (2):

GeneDx
Classification: Benign. Last evaluated: 2018-06-14. Review status: criteria provided, single submitter. Criteria: GeneDx Variant Classification (06012015). Collection method: clinical testing. Allele origin: germline. Affected: yes.
Comment: This variant is considered likely benign or benign based on one or more of the following criteria: it is a conservative change, it occurs at a poorly conserved position in the protein, it is predicted to be benign by multiple in silico algorithms, and/or has population frequency not consistent with disease.

Breakthrough Genomics
Classification: Benign. Review status: criteria provided, single submitter. Criteria: ACMG Guidelines, 2015. Collection method: not provided. Allele origin: germline. Inheritance: Autosomal recessive inheritance. Affected: yes.

NM_014049.5(ACAD9):c.1692+145G>C

Genes: CFAP92 (cilia and flagella associated protein 92 (putative); minus strand), ACAD9 (acyl-CoA dehydrogenase family member 9; plus strand). Cytogenetic location: 3q21.3.
Variant type: single nucleotide variant.
Coding change: c.1692+145G>C on transcript NM_014049.5 (MANE Select); 145 bases into the intron after coding-DNA position 1692, G replaced by C.
Molecular consequence: intron variant. On other transcripts: 3 prime UTR variant (3).
Genome position (GRCh38, 1-based): chr3:128,910,294, G>C. VCF-style: chr3-128910294-G-C. GRCh37 (hg19) VCF-style: chr3-128629137-G-C.
Other names: c.*5C>G (NM_001348520.2, NM_001348521.2, NM_001394090.1); c.1323+145G>C (NM_001410805.1).
Identifiers: ClinVar variation 676563 (VCV000676563.3), dbSNP rs6774021, ClinGen allele CA2601670.